The following is an entry in ClinVar:

ClinVar aggregate classification (germline): Uncertain significance (1 of 4 stars; one submission).

gnomAD v4.1: 5 of 1,189,268 alleles (0.00042%); highest among the groups gnomAD compares: Non-Finnish European, 0.00057%; no homozygotes.

Submission:

GeneDx
Classification: Uncertain significance. Last evaluated: 2024-05-31. Review status: criteria provided, single submitter. Criteria: GeneDx Variant Classification Process June 2021. Collection method: clinical testing. Allele origin: germline. Affected: yes.
Comment: Not observed at significant frequency in large population cohorts (gnomAD); In silico analysis supports that this missense variant has a deleterious effect on protein structure/function; Has not been previously published as pathogenic or benign to our knowledge

NM_012310.5(KIF4A):c.2170G>T (p.Val724Phe)

Gene: KIF4A (kinesin family member 4A; plus strand). Cytogenetic location: Xq13.1.
Variant type: single nucleotide variant.
Coding change: c.2170G>T on transcript NM_012310.5 (MANE Select); coding-DNA position 2170, G replaced by T.
Protein change: p.Val724Phe; replaces valine 724 with phenylalanine.
Molecular consequence: missense variant.
Genome position (GRCh38, 1-based): chrX:70,387,235, G>T. VCF-style: chrX-70387235-G-T. GRCh37 (hg19) VCF-style: chrX-69607085-G-T.
Other names: short protein forms V724F.
Identifiers: ClinVar variation 3383488 (VCV003383488.1).
Genomic context (GRCh38, chrX:70,387,235, plus strand): 5'-TTTATTTAGGCAGCAGCTGCCAACAAGCGTCTCAAGGATGCTCTCCAGAAACAACGGGAG[G>T]TTGCAGATAAGCGGAAAGAGACTCAGAGCCGTGGAATGGAAGGCACTGCAGCTCGAGTGA-3'
Protein context (NP_036442.3, residues 714-734): LKDALQKQRE[Val724Phe]ADKRKETQSR